The following is an entry in ClinVar:

NM_002900.3(RBP3):c.1363G>C (p.Val455Leu)

Gene: RBP3 (retinol binding protein 3; plus strand). Cytogenetic location: 10q11.22.
Variant type: single nucleotide variant.
Coding change: c.1363G>C on transcript NM_002900.3 (MANE Select); coding-DNA position 1363, G replaced by C.
Protein change: p.Val455Leu; replaces valine 455 with leucine.
Molecular consequence: missense variant.
Genome position (GRCh38, 1-based): chr10:47,349,847, G>C. VCF-style: chr10-47349847-G-C. GRCh37 (hg19) VCF-style: chr10-48389515-C-G.
Other names: short protein forms V455L.
Identifiers: ClinVar variation 1714275 (VCV001714275.5), dbSNP rs2549028525, ClinGen allele CA376669499.

ClinVar aggregate classification (germline): Uncertain significance (1 of 4 stars; one submission).

Submission:

Labcorp Genetics (formerly Invitae), Labcorp
Classification: Uncertain significance. Last evaluated: 2023-05-08. Review status: criteria provided, single submitter. Criteria: Invitae Variant Classification Sherloc (09022015). Collection method: clinical testing. Allele origin: germline.
Comment: In summary, the available evidence is currently insufficient to determine the role of this variant in disease. Therefore, it has been classified as a Variant of Uncertain Significance. An algorithm developed to predict the effect of missense changes on protein structure and function (PolyPhen-2) suggests that this variant is likely to be tolerated. ClinVar contains an entry for this variant (Variation ID: 1714275). This variant has not been reported in the literature in individuals affected with RBP3-related conditions. This variant is not present in population databases (gnomAD no frequency). This sequence change replaces valine, which is neutral and non-polar, with leucine, which is neutral and non-polar, at codon 455 of the RBP3 protein (p.Val455Leu).